The following is an entry in ClinVar:

ClinVar aggregate classification (germline): Uncertain significance (1 of 4 stars; one submission).

Conditions:
Inborn genetic diseases. Identifiers: MedGen C0950123, MeSH D030342.

Submission:

Ambry Genetics
Classification: Uncertain significance for Inborn genetic diseases. Last evaluated: 2023-01-26. Review status: criteria provided, single submitter. Criteria: Ambry Variant Classification Scheme 2023. Collection method: clinical testing. Allele origin: germline.
Comment: The c.4556C>T (p.P1519L) alteration is located in exon 12 (coding exon 12) of the SETD1B gene. This alteration results from a C to T substitution at nucleotide position 4556, causing the proline (P) at amino acid position 1519 to be replaced by a leucine (L). This variant was not reported in population-based cohorts in the Genome Aggregation Database (gnomAD). This amino acid position is poorly conserved in available vertebrate species. This alteration is predicted to be tolerated by in silico analysis. Based on insufficient or conflicting evidence, the clinical significance of this alteration remains unclear.

NM_001353345.2(SETD1B):c.4685C>T (p.Pro1562Leu)

Gene: SETD1B (SET domain containing 1B, histone lysine methyltransferase; plus strand). Cytogenetic location: 12q24.31.
Variant type: single nucleotide variant.
Coding change: c.4685C>T on transcript NM_001353345.2 (MANE Select); coding-DNA position 4685, C replaced by T.
Protein change: p.Pro1562Leu; replaces proline 1562 with leucine.
Molecular consequence: missense variant.
Genome position (GRCh38, 1-based): chr12:121,823,264, C>T. VCF-style: chr12-121823264-C-T. GRCh37 (hg19) VCF-style: chr12-122261170-C-T.
Other names: NM_015048.1:c.4556C>T; short protein forms P1562L.
Identifiers: ClinVar variation 2337653 (VCV002337653.3), dbSNP rs755070852, ClinGen allele CA386999501.